The following is an entry in ClinVar:

NM_001754.5(RUNX1):c.508+12G>A

Genes: RUNX1 (RUNX family transcription factor 1; minus strand), RUNX1-AS1 (RUNX1 antisense RNA 1; plus strand). Cytogenetic location: 21q22.12.
Variant type: single nucleotide variant.
Coding change: c.508+12G>A on transcript NM_001754.5 (MANE Select); 12 bases into the intron after coding-DNA position 508, G replaced by A.
Molecular consequence: intron variant.
Genome position (GRCh38, 1-based): chr21:34,880,545, C>T on the plus strand (G>A on the coding strand, the complement: RUNX1 is on the minus strand). VCF-style: chr21-34880545-C-T. GRCh37 (hg19) VCF-style: chr21-36252842-C-T.
Other names: c.427+12G>A (NM_001001890.3, NM_001122607.2).
Identifiers: ClinVar variation 1592255 (VCV001592255.9), dbSNP rs777848069, ClinGen allele CA10014498.

ClinVar aggregate classification (germline): Likely benign. Review status: reviewed by expert panel (3 of 4 stars). 2 submissions from 2 submitters: Likely benign (1). 1 of the submissions does not count toward it. Last evaluated 2024-09-18.

Conditions:
Hereditary thrombocytopenia and hematologic cancer predisposition syndrome. Identifiers: Orphanet 71290, MedGen CN281654, MONDO:0011071.
Hereditary thrombocytopenia and hematological cancer predisposition syndrome associated with RUNX1. Also called: RUNX1 Familial Platelet Disorder with Associated Myeloid Malignancies; Familial Platelet Disorder with Propensity to Acute Myelogenous Leukemia; Familial thrombocytopenia with propensity to acute myelogenous leukemia; PLATELET DISORDER, ASPIRIN-LIKE. Identifiers: Orphanet 71290, MedGen C1832388, MeSH C563324, MONDO:0100083, OMIM 601399.

Allele frequency attached by ClinVar (database versions not stated): gnomAD exomes below 0.00001 and 0.00001; ExAC 0.00001; gnomAD 0.00002; TOPMed 0.00002.
gnomAD v4.1: 16 of 1,613,696 alleles (0.00099%); highest among the groups gnomAD compares: Non-Finnish European, 0.0014%; no homozygotes.

Submissions (2):

ClinGen Myeloid Malignancy Variant Curation Expert Panel
Classification: Likely benign for Hereditary thrombocytopenia and hematologic cancer predisposition syndrome. Last evaluated: 2024-09-18. Review status: reviewed by expert panel. Criteria: ClinGen MyeloMalig ACMG Specifications v2. Collection method: curation. Allele origin: germline. Inheritance: Autosomal dominant inheritance.
Comment: NM_001754.5(RUNX1):c.508+12G>A is an intronic variant. Evolutionary conservation algorithms predict the site as not being conserved (PhyloP score -0.304181 < 2.0) (BP7). No splicing impact or creation of cryptic splice sites predicted by SSF and MES. Splice AI predicts no impact to splicing (score: 0.03) (BP4). This variant was reported in ClinVar in 2023 by Invitae, but the affected status of the proband is unknown (Variation ID 1219872). In summary, this variant meets criteria to be classified as likely benign. ACMG/AMP criteria applied, as specified by the Myeloid Malignancy Variant Curation Expert Panel for RUNX1: BP7, BP4.

Labcorp Genetics (formerly Invitae), Labcorp
Classification: Likely benign for Hereditary thrombocytopenia and hematological cancer predisposition syndrome associated with RUNX1. Last evaluated: 2025-05-27. Review status: criteria provided, single submitter. Criteria: Invitae Variant Classification Sherloc (09022015). Collection method: clinical testing. Allele origin: germline. Not counted in ClinVar's aggregate classification.